The following is an entry in ClinVar:

NM_000535.7(PMS2):c.2588G>A (p.Ter863=)

Gene: PMS2 (PMS1 homolog 2, mismatch repair system component; minus strand). Cytogenetic location: 7p22.1.
Variant type: single nucleotide variant.
Coding change: c.2588G>A on transcript NM_000535.7 (MANE Select); coding-DNA position 2588, G replaced by A.
Protein change: p.Ter863=.
Molecular consequence: synonymous variant. On other transcripts: non-coding transcript variant (1).
Genome position (GRCh38, 1-based): chr7:5,973,400, C>T on the plus strand (G>A on the coding strand, the complement: PMS2 is on the minus strand). VCF-style: chr7-5973400-C-T. GRCh37 (hg19) VCF-style: chr7-6013031-C-T.
Other names: c.2114G>A, p.Ter705= (NM_001406901.1, NM_001406902.1); c.2102G>A, p.Ter701= (NM_001406903.1); c.2075G>A, p.Ter692= (NM_001406904.1, NM_001406905.1); c.2027G>A, p.Ter676= (NM_001406906.1, NM_001406907.1, NM_001322010.2); c.2015G>A, p.Ter672= (NM_001406908.1, NM_001406909.1, NM_001322013.2); c.1871G>A, p.Ter624= (NM_001406910.1); c.1817G>A, p.Ter606= (NM_001406911.1); c.1385G>A, p.Ter462= (NM_001406912.1); and 20 more.
Identifiers: ClinVar variation 3894201 (VCV003894201.1).
Genomic context (GRCh38, chr7:5,973,400, plus strand): 5'-CTGTCTTTCAAAACATAAAAATCTGCGATAAAACCAATTATTCCATACAGTGACTACGGT[C>T]AGTTCTGAGAAATGACACCCAGGTTGGCGATGTGTCTCATGGTTGGCCTTCCATGGGGAC-3'

ClinVar aggregate classification (germline): Uncertain significance (1 of 4 stars; one submission).

Conditions:
Hereditary cancer-predisposing syndrome. Also called: Neoplastic Syndromes, Hereditary; Tumor predisposition; Hereditary Cancer Syndrome; Hereditary neoplastic syndrome. Identifiers: Orphanet 140162, MedGen C0027672, MeSH D009386, MONDO:0015356.

Submission:

Color Diagnostics, LLC DBA Color Health
Classification: Uncertain significance for Hereditary cancer-predisposing syndrome. Last evaluated: 2025-02-11. Review status: criteria provided, single submitter. Criteria: ACMG Guidelines, 2015. Collection method: clinical testing. Allele origin: germline.
Comment: This variant causes a nucleotide change from G>A in exon 15 of the PMS2 gene, and results in a synonymous variant that maintains the stop codon at position 863 in the PMS2 protein. To our knowledge, functional studies have not been reported for this variant. This variant has not been reported in individuals affected with PMS2-related disorders in the literature. This variant has not been identified in the general population by the Genome Aggregation Database (gnomAD). The available evidence is insufficient to determine the role of this variant in disease conclusively. Therefore, this variant is classified as a Variant of Uncertain Significance.